The following is an entry in ClinVar:

ClinVar aggregate classification (germline): Uncertain significance (1 of 4 stars; one submission).

Allele frequency attached by ClinVar (database versions not stated): gnomAD 0.00002; TOPMed 0.00002.
gnomAD v4.1: 3 of 1,605,940 alleles (0.00019%); highest among the groups gnomAD compares: African/African-American, 0.004%; no homozygotes.

Submission:

Labcorp Genetics (formerly Invitae), Labcorp
Classification: Uncertain significance. Last evaluated: 2025-05-13. Review status: criteria provided, single submitter. Criteria: Invitae Variant Classification Sherloc (09022015). Collection method: clinical testing. Allele origin: germline.
Comment: This sequence change replaces alanine, which is neutral and non-polar, with serine, which is neutral and polar, at codon 39 of the SHPK protein (p.Ala39Ser). This variant is not present in population databases (gnomAD no frequency). This variant has not been reported in the literature in individuals affected with SHPK-related conditions. ClinVar contains an entry for this variant (Variation ID: 2420234). An algorithm developed to predict the effect of missense changes on protein structure and function outputs the following: PolyPhen-2: "Benign". The serine amino acid residue is found in multiple mammalian species, which suggests that this missense change does not adversely affect protein function. In summary, the available evidence is currently insufficient to determine the role of this variant in disease. Therefore, it has been classified as a Variant of Uncertain Significance.

NM_013276.4(SHPK):c.115G>T (p.Ala39Ser)

Gene: SHPK (sedoheptulokinase; minus strand). Cytogenetic location: 17p13.2.
Variant type: single nucleotide variant.
Coding change: c.115G>T on transcript NM_013276.4 (MANE Select); coding-DNA position 115, G replaced by T.
Protein change: p.Ala39Ser; replaces alanine 39 with serine.
Molecular consequence: missense variant.
Genome position (GRCh38, 1-based): chr17:3,636,105, C>A on the plus strand (G>T on the coding strand, the complement: SHPK is on the minus strand). VCF-style: chr17-3636105-C-A. GRCh37 (hg19) VCF-style: chr17-3539399-C-A.
Other names: short protein forms A39S.
Identifiers: ClinVar variation 2420234 (VCV002420234.6), dbSNP rs1326674274, ClinGen allele CA397683830.
Genomic context (GRCh38, chr17:3,636,105, plus strand): 5'-AACTCACCTGGGGCCCGGCCACCGCGCTCTCGACCGCCGCCTCTGCCCGCGCAGCACGGG[C>A]ACAGCTCGCCAGCACTGCGAACCCGGATGGGTCGTCGGGCGCGGCCCTCAGCAGAGCTGC-3'
Protein context (NP_037408.2, residues 29-49): PSGFAVLASC[Ala39Ser]RAARAEAAVE